The following is an entry in ClinVar:

NM_001690.4(ATP6V1A):c.548G>A (p.Gly183Glu)

Gene: ATP6V1A (ATPase H+ transporting V1 subunit A; plus strand). Cytogenetic location: 3q13.31.
Variant type: single nucleotide variant.
Coding change: c.548G>A on transcript NM_001690.4 (MANE Select); coding-DNA position 548, G replaced by A.
Protein change: p.Gly183Glu; replaces glycine 183 with glutamic acid.
Molecular consequence: missense variant.
Genome position (GRCh38, 1-based): chr3:113,784,817, G>A. VCF-style: chr3-113784817-G-A. GRCh37 (hg19) VCF-style: chr3-113503664-G-A.
Other names: short protein forms G183E.
Identifiers: ClinVar variation 2497853 (VCV002497853.1), dbSNP rs2549719686, ClinGen allele CA354009938.
Genomic context (GRCh38, chr3:113,784,817, plus strand): 5'-AACACAAAATCATGTTACCCCCACGAAACAGAGGAACTGTAACTTACATTGCTCCACCTG[G>A]GAATTATGATACCTCTGTAAGTATCATTTGAACTTTATCCTGCAGAGTGCCTCTATTTCT-3'
Protein context (NP_001681.2, residues 173-193): RGTVTYIAPP[Gly183Glu]NYDTSDVVLE

ClinVar aggregate classification (germline): Uncertain significance (1 of 4 stars; one submission).

Submission:

GeneDx
Classification: Uncertain significance. Last evaluated: 2022-10-07. Review status: criteria provided, single submitter. Criteria: GeneDx Variant Classification Process June 2021. Collection method: clinical testing. Allele origin: germline. Affected: yes.
Comment: Not observed at significant frequency in large population cohorts (gnomAD); In silico analysis supports that this missense variant has a deleterious effect on protein structure/function; Has not been previously published as pathogenic or benign to our knowledge